The following is an entry in ClinVar:

NM_000053.4(ATP7B):c.3956G>A (p.Arg1319Gln)

Gene: ATP7B (ATPase copper transporting beta; minus strand). Cytogenetic location: 13q14.3.
Variant type: single nucleotide variant.
Coding change: c.3956G>A on transcript NM_000053.4 (MANE Select); coding-DNA position 3956, G replaced by A.
Protein change: p.Arg1319Gln; replaces arginine 1319 with glutamine.
Molecular consequence: missense variant.
Genome position (GRCh38, 1-based): chr13:51,937,341, C>T on the plus strand (G>A on the coding strand, the complement: ATP7B is on the minus strand). VCF-style: chr13-51937341-C-T. GRCh37 (hg19) VCF-style: chr13-52511477-C-T.
Other names: c.3335G>A, p.Arg1112Gln (NM_001005918.3); c.3623G>A, p.Arg1208Gln (NM_001243182.2); c.3722G>A, p.Arg1241Gln (NM_001330578.2); c.3704G>A, p.Arg1235Gln (NM_001330579.2); short protein forms R1112Q, R1208Q, R1235Q, R1241Q, R1319Q.
Identifiers: ClinVar variation 1154313 (VCV001154313.13), dbSNP rs529307157, ClinGen allele CA6988529.

ClinVar aggregate classification (germline): Conflicting classifications of pathogenicity. Review status: criteria provided, conflicting classifications (1 of 4 stars). 4 submissions from 4 submitters: Uncertain significance (3); Likely benign (1). Last evaluated 2026-01-25.

Conditions:
Wilson disease (WND). Also called: Wilson's disease. Identifiers: Orphanet 905, MedGen C0019202, MONDO:0010200, OMIM 277900. Disease mechanism: loss of function.

Allele frequency attached by ClinVar (database versions not stated): gnomAD 0.00003 and 0.00004; gnomAD exomes 0.00004 and 0.00008; TOPMed 0.00004; ExAC 0.00007.
gnomAD v4.1: 62 of 1,614,202 alleles (0.0038%); highest among the groups gnomAD compares: Admixed American, 0.032%; no homozygotes.

Submissions (4):

Labcorp Genetics (formerly Invitae), Labcorp
Classification: Likely benign for Wilson disease. Last evaluated: 2026-01-25. Review status: criteria provided, single submitter. Criteria: Invitae Variant Classification Sherloc (09022015). Collection method: clinical testing. Allele origin: germline.

Color Diagnostics, LLC DBA Color Health
Classification: Uncertain significance for Wilson disease. Last evaluated: 2025-06-05. Review status: criteria provided, single submitter. Criteria: ACMG Guidelines, 2015. Collection method: clinical testing. Allele origin: germline.
Comment: This missense variant replaces arginine with glutamine at codon 1319 of the ATP7B protein. Computational prediction suggests that this variant may not impact protein structure and function. To our knowledge, functional studies have not been reported for this variant. This variant has been reported in an individual affected with Wilson disease (PMID: 35470480). This variant has been identified in 21/280976 chromosomes in the general population by the Genome Aggregation Database (gnomAD). The available evidence is insufficient to determine the role of this variant in disease conclusively. Therefore, this variant is classified as a Variant of Uncertain Significance.

All of Us Research Program, National Institutes of Health
Classification: Uncertain significance for Wilson disease. Last evaluated: 2024-09-27. Review status: criteria provided, single submitter. Criteria: ACMG Guidelines, 2015. Collection method: clinical testing. Allele origin: germline. Inheritance: Autosomal recessive inheritance. Observed: 15 variant alleles, 15 heterozygotes.
Comment: This missense variant replaces arginine with glutamine at codon 1319 of the ATP7B protein. Computational prediction suggests that this variant may not impact protein structure and function (internally defined REVEL score threshold <= 0.5, PMID: 27666373). To our knowledge, functional studies have not been reported for this variant. This variant has been reported in an individual affected with Wilson disease (PMID: 35470480). This variant has been identified in 21/280976 chromosomes in the general population by the Genome Aggregation Database (gnomAD). The available evidence is insufficient to determine the role of this variant in disease conclusively. Therefore, this variant is classified as a Variant of Uncertain Significance.

This study involves interpretation of variants in research participants for the purpose of population health screening. Participant phenotype was not available at the time of variant classification. Additional details can be found in publication PMID: 35346344, PMCID: PMC8962531

Revvity Omics, Revvity
Classification: Uncertain significance for Wilson disease. Last evaluated: 2024-01-16. Review status: criteria provided, single submitter. Criteria: ACMG Guidelines, 2015. Collection method: clinical testing. Allele origin: germline.

Literature cited by the submitters: PubMed 35470480 (cited by Color Diagnostics, LLC DBA Color Health and All of Us Research Program, National Institutes of Health).